The following is an entry in ClinVar:

ClinVar aggregate classification (germline): Uncertain significance. Review status: criteria provided, multiple submitters, no conflicts (2 of 4 stars). 5 submissions from 5 submitters: Uncertain significance (5). Last evaluated 2026-08-29.

Conditions:
OTOGL-related disorder. Also called: OTOGL-related condition.
Inborn genetic diseases. Identifiers: MedGen C0950123, MeSH D030342.

Allele frequency attached by ClinVar (database versions not stated): gnomAD 0.00012 and 0.00013; gnomAD exomes 0.00012; ExAC 0.00015; ESP Exome Variant Server 0.00015; TOPMed 0.00022.
gnomAD v4.1: 158 of 1,611,144 alleles (0.0098%); highest among the groups gnomAD compares: Admixed American, 0.055%; 1 homozygote.

Submissions (5):

GeneDx
Classification: Uncertain significance. Last evaluated: 2026-08-29. Review status: criteria provided, single submitter. Criteria: GeneDx Variant Classification Process June 2021. Collection method: clinical testing. Allele origin: germline.
Comment: In silico analysis suggests that this missense variant does not alter protein structure/function; Has not been previously published as pathogenic or benign to our knowledge

PreventionGenetics, part of Exact Sciences
Classification: Uncertain significance for OTOGL-related condition. Last evaluated: 2026-04-13. Review status: criteria provided, single submitter. Criteria: ACMG Guidelines, 2015. Collection method: clinical testing. Allele origin: germline.
Comment: The OTOGL c.6899G>A variant is predicted to result in the amino acid substitution p.Ser2300Asn. To our knowledge, this variant has not been reported in the literature. This variant is reported in 0.057% of alleles in individuals of Latino descent in gnomAD. Although we suspect that this variant may be benign, at this time, the clinical significance of this variant is uncertain due to the absence of conclusive functional and genetic evidence.

Ambry Genetics
Classification: Uncertain significance for Inborn genetic diseases. Last evaluated: 2025-06-18. Review status: criteria provided, single submitter. Criteria: Ambry Variant Classification Scheme 2023. Collection method: clinical testing. Allele origin: germline.

Labcorp Genetics (formerly Invitae), Labcorp
Classification: Uncertain significance. Last evaluated: 2025-02-15. Review status: criteria provided, single submitter. Criteria: Invitae Variant Classification Sherloc (09022015). Collection method: clinical testing. Allele origin: germline.
Comment: This sequence change replaces serine, which is neutral and polar, with asparagine, which is neutral and polar, at codon 2300 of the OTOGL protein (p.Ser2300Asn). This variant is present in population databases (rs149242532, gnomAD 0.06%). This variant has not been reported in the literature in individuals affected with OTOGL-related conditions. ClinVar contains an entry for this variant (Variation ID: 1223812). An algorithm developed to predict the effect of missense changes on protein structure and function outputs the following: PolyPhen-2: "Benign". The asparagine amino acid residue is found in multiple mammalian species, which suggests that this missense change does not adversely affect protein function. In summary, the available evidence is currently insufficient to determine the role of this variant in disease. Therefore, it has been classified as a Variant of Uncertain Significance.

Blueprint Genetics
Classification: Uncertain significance. Last evaluated: 2024-04-04. Review status: criteria provided, single submitter. Criteria: ACMG Guidelines, 2015. Collection method: clinical testing. Allele origin: germline.

NM_001378609.3(OTOGL):c.6926G>A (p.Ser2309Asn)

Gene: OTOGL (otogelin like; plus strand). Cytogenetic location: 12q21.31.
Variant type: single nucleotide variant.
Coding change: c.6926G>A on transcript NM_001378609.3 (MANE Select); coding-DNA position 6926, G replaced by A.
Protein change: p.Ser2309Asn; replaces serine 2309 with asparagine.
Molecular consequence: missense variant.
Genome position (GRCh38, 1-based): chr12:80,377,912, G>A. VCF-style: chr12-80377912-G-A. GRCh37 (hg19) VCF-style: chr12-80771692-G-A.
Other names: c.6791G>A, p.Ser2264Asn (NM_001368062.3); c.6926G>A, p.Ser2309Asn (NM_001378610.3, NM_173591.7); short protein forms S2264N, S2309N.
Identifiers: ClinVar variation 1223812 (VCV001223812.18), dbSNP rs149242532, ClinGen allele CA6702199.